The following is an entry in ClinVar:

ClinVar aggregate classification (germline): Conflicting classifications of pathogenicity. Review status: criteria provided, conflicting classifications (1 of 4 stars). 30 submissions from 30 submitters: Uncertain significance (2); Benign (16); Likely benign (6). 6 of the submissions do not count toward it. Last evaluated 2026-09-01.

Conditions:
Tuberous sclerosis 2 (TSC2). Identifiers: Orphanet 805, MedGen C1860707, MONDO:0013199, OMIM 613254.
Isolated focal cortical dysplasia type II (FCORD2). Also called: Focal cortical dysplasia type II; CORTICAL DYSPLASIA OF TAYLOR. Identifiers: Orphanet 268994, MedGen C1846385, MONDO:0011818, OMIM 607341, HP:0032051.
Lymphangiomyomatosis (LAM). Also called: Lymphangioleiomyomatosis, somatic; Lymphangioleiomyomatosis. Identifiers: Orphanet 538, MedGen C0751674, MONDO:0011705, OMIM 606690.
Hereditary cancer-predisposing syndrome. Also called: Neoplastic Syndromes, Hereditary; Hereditary neoplastic syndrome; Hereditary Cancer Syndrome; Tumor predisposition. Identifiers: Orphanet 140162, MedGen C0027672, MeSH D009386, MONDO:0015356.
Tuberous sclerosis syndrome (TSC). Also called: Tuberous sclerosis; Tuberous Sclerosis Complex. Identifiers: Orphanet 805, MedGen C0041341, MONDO:0001734.

Allele frequency attached by ClinVar (database versions not stated): 1000 Genomes Project 30x 0.00094; TOPMed 0.00203; gnomAD 0.00219 and 0.00223; gnomAD exomes 0.00280 and 0.00334; ESP Exome Variant Server 0.00325; 1000 Genomes Project 0.00100; ExAC 0.00569.
gnomAD v4.1: 5,077 of 1,583,898 alleles (0.32%); highest among the groups gnomAD compares: Non-Finnish European, 0.37%; 15 homozygotes.

Submissions (30):

CeGaT Center for Human Genetics Tuebingen
Classification: Likely benign. Last evaluated: 2026-09-01. Review status: criteria provided, single submitter. Criteria: CeGaT Center For Human Genetics Tuebingen Variant Classification Criteria Version 2. Collection method: clinical testing. Allele origin: germline. Affected: yes. Observed: 63 variant alleles.
Comment: TSC2: BS2

Labcorp Genetics (formerly Invitae), Labcorp
Classification: Benign for Tuberous sclerosis 2. Last evaluated: 2026-02-04. Review status: criteria provided, single submitter. Criteria: Invitae Variant Classification Sherloc (09022015). Collection method: clinical testing. Allele origin: germline.

Quest Diagnostics Nichols Institute San Juan Capistrano
Classification: Benign. Last evaluated: 2025-06-30. Review status: criteria provided, single submitter. Criteria: Quest Diagnostics criteria. Collection method: clinical testing. Allele origin: unknown.

Mayo Clinic Laboratories, Mayo Clinic
Classification: Likely benign. Last evaluated: 2025-02-17. Review status: criteria provided, single submitter. Criteria: ACMG Guidelines, 2015. Collection method: clinical testing. Allele origin: germline. Observed: 4 variant alleles.
Comment: BS1

Blueprint Genetics
Classification: Likely benign. Last evaluated: 2024-11-23. Review status: criteria provided, single submitter. Criteria: ACMG Guidelines, 2015. Collection method: clinical testing. Allele origin: germline.

All of Us Research Program, National Institutes of Health
Classification: Benign for Tuberous sclerosis syndrome. Last evaluated: 2024-09-27. Review status: criteria provided, single submitter. Criteria: ACMG Guidelines, 2015. Collection method: clinical testing. Allele origin: germline. Inheritance: Autosomal dominant inheritance. Observed: 832 variant alleles, 830 heterozygotes, 1 homozygote, 1 hemizygote.
Comment: This study involves interpretation of variants in research participants for the purpose of population health screening. Participant phenotype was not available at the time of variant classification. Additional details can be found in publication PMID: 35346344, PMCID: PMC8962531

ARUP Laboratories, Molecular Genetics and Genomics, ARUP Laboratories
Classification: Benign. Last evaluated: 2023-09-04. Review status: criteria provided, single submitter. Criteria: ARUP Molecular Germline Variant Investigation Process 2024. Collection method: clinical testing. Allele origin: germline.

Department of Pathology and Laboratory Medicine, Sinai Health System
Classification: Benign for Lymphangiomyomatosis; Isolated focal cortical dysplasia type II; Tuberous sclerosis 2. Last evaluated: 2023-08-22. Review status: criteria provided, single submitter. Criteria: ACMG Guidelines, 2015. Collection method: clinical testing. Allele origin: germline. Affected: yes.

Myriad Genetics, Inc.
Classification: Benign for Tuberous sclerosis 2. Last evaluated: 2023-07-06. Review status: criteria provided, single submitter. Criteria: Myriad Autosomal Dominant, Autosomal Recessive and X-Linked Classification Criteria (2023). Collection method: clinical testing. Allele origin: unknown.
Comment: This variant is considered benign. This variant has been observed at a population frequency that is significantly greater than expected given the associated disease prevalence and penetrance. Homozygosity has been confirmed in one or more individuals. As homozygosity for pathogenic variants in this gene is generally assumed to result in embryonic lethality, this variant is unlikely to be pathogenic.

Color Diagnostics, LLC DBA Color Health
Classification: Benign for Tuberous sclerosis syndrome. Last evaluated: 2022-08-17. Review status: criteria provided, single submitter. Criteria: ACMG Guidelines, 2015. Collection method: clinical testing. Allele origin: germline.

Genome-Nilou Lab
Classification: Benign for Tuberous sclerosis 2. Last evaluated: 2021-11-07. Review status: criteria provided, single submitter. Criteria: ACMG Guidelines, 2015. Collection method: clinical testing. Allele origin: germline. Affected: no.

Sema4
Classification: Benign for Hereditary cancer-predisposing syndrome. Last evaluated: 2020-09-09. Review status: criteria provided, single submitter. Criteria: Sema4 Curation Guidelines. Collection method: curation. Allele origin: germline.

Institute for Clinical Genetics, University Hospital TU Dresden, University Hospital TU Dresden
Classification: Uncertain significance. Last evaluated: 2020-05-26. Review status: criteria provided, single submitter. Criteria: ACMG Guidelines, 2015. Collection method: clinical testing. Allele origin: germline.

GeneDx
Classification: Benign. Last evaluated: 2020-04-10. Review status: criteria provided, single submitter. Criteria: GeneDx Variant Classification Process June 2021. Collection method: clinical testing. Allele origin: germline. Affected: yes.
Comment: This variant is associated with the following publications: (PMID: 18032745, 24728327, 23514105, 15798777, 22703879, 17304050, 21309039)

Institute of Human Genetics, University of Leipzig Medical Center
Classification: Likely benign for Tuberous sclerosis 2. Last evaluated: 2019-01-01. Review status: criteria provided, single submitter. Criteria: ACMG Guidelines, 2015. Collection method: clinical testing. Allele origin: unknown. Affected: yes.

Genetic Services Laboratory, University of Chicago
Classification: Likely benign. Last evaluated: 2018-08-21. Review status: criteria provided, single submitter. Criteria: ACMG Guidelines, 2015. Collection method: clinical testing. Allele origin: germline. Affected: no.

Illumina Laboratory Services, Illumina
Classification: Benign for Tuberous sclerosis syndrome. Last evaluated: 2018-01-12. Review status: criteria provided, single submitter. Criteria: ICSL Variant Classification Criteria 13 December 2019. Collection method: clinical testing. Allele origin: germline.
Comment: This variant was observed in the ICSL laboratory as part of a predisposition screen in an ostensibly healthy population. It had not been previously curated by ICSL or reported in the Human Gene Mutation Database (HGMD: prior to June 1st, 2018), and was therefore a candidate for classification through an automated scoring system. Utilizing variant allele frequency, disease prevalence and penetrance estimates, and inheritance mode, an automated score was calculated to assess if this variant is too frequent to cause the disease. Based on the score and internal cut-off values, a variant classified as benign is not then subjected to further curation. The score for this variant resulted in a classification of benign for this disease.

Athena Diagnostics
Classification: Benign for Tuberous sclerosis 2. Last evaluated: 2017-05-24. Review status: criteria provided, single submitter. Criteria: Athena Diagnostics Criteria. Collection method: clinical testing. Allele origin: germline.

Center for Human Genetics, Inc
Classification: Uncertain significance for Tuberous sclerosis 2. Last evaluated: 2016-11-01. Review status: criteria provided, single submitter. Criteria: ACMG Guidelines, 2015. Collection method: clinical testing. Allele origin: germline. Affected: yes.

Women's Health and Genetics/Laboratory Corporation of America, LabCorp
Classification: Benign. Last evaluated: 2016-08-23. Review status: criteria provided, single submitter. Criteria: LabCorp Variant Classification Summary - May 2015. Collection method: clinical testing. Allele origin: germline.
Comment: Variant summary: The TSC2 c.3889G>A (p.Ala1297Thr) variant involves the alteration of a conserved nucleotide. 2/3 in silico tools predict a benign outcome for this variant (SNPs&GO not captured due to low reliability index). This variant was found in 193/33944 control chromosomes at a frequency of 0.0056858, which is approximately 83 times the estimated maximal expected allele frequency of a pathogenic TSC2 variant (0.0000688), suggesting this variant is likely a benign polymorphism. In addition, multiple clinical diagnostic laboratories/reputable databases classified this variant as benign. Taken together, this variant is classified as benign.

Genomic Diagnostic Laboratory, Division of Genomic Diagnostics, Children's Hospital of Philadelphia
Classification: Benign for Tuberous sclerosis 2. Last evaluated: 2015-11-10. Review status: criteria provided, single submitter. Criteria: DGD Variant Analysis Guidelines. Collection method: clinical testing. Allele origin: unknown.

Eurofins Ntd Llc (ga)
Classification: Benign. Last evaluated: 2015-01-02. Review status: criteria provided, single submitter. Criteria: EGL Classification Definitions 2015. Collection method: clinical testing. Allele origin: germline. Observed: 1 variant allele, 1 heterozygote.

Ambry Genetics
Classification: Benign for Hereditary cancer-predisposing syndrome. Last evaluated: 2014-12-09. Review status: criteria provided, single submitter. Criteria: Ambry Variant Classification Scheme 2023. Collection method: clinical testing. Allele origin: germline.

PreventionGenetics, part of Exact Sciences
Classification: Likely benign. Review status: criteria provided, single submitter. Criteria: ACMG Guidelines, 2015. Collection method: clinical testing. Allele origin: germline.

ITMI
No classification provided. Condition: AllHighlyPenetrant. Last evaluated: 2013-09-19. Review status: no classification provided. Collection method: reference population. Allele origin: germline. Not counted in ClinVar's aggregate classification.
Comment: Please see associated publication for description of ethnicities

Biesecker Lab/Clinical Genomics Section, National Institutes of Health
Classification: Likely benign. Last evaluated: 2012-07-13. Review status: no assertion criteria provided. Collection method: research. Allele origin: germline. Affected: no. Observed: 1 variant allele. Study: ClinSeq. Not counted in ClinVar's aggregate classification.
ClinVar note: Converted during submission from probably not pathogenic to Likely benign.

Clinical Genetics, Academic Medical Center
Classification: Likely benign. Review status: no assertion criteria provided. Collection method: clinical testing. Allele origin: germline. Affected: yes. Study: VKGL Data-share Consensus. Not counted in ClinVar's aggregate classification.

Genome Diagnostics Laboratory, Amsterdam University Medical Center
Classification: Likely benign. Review status: no assertion criteria provided. Collection method: clinical testing. Allele origin: germline. Affected: yes. Study: VKGL Data-share Consensus. Not counted in ClinVar's aggregate classification.

Laboratory of Diagnostic Genome Analysis, Leiden University Medical Center (LUMC)
Classification: Likely benign. Review status: no assertion criteria provided. Collection method: clinical testing. Allele origin: germline. Affected: yes. Study: VKGL Data-share Consensus. Not counted in ClinVar's aggregate classification.

Tuberous sclerosis database (TSC2)
No classification provided. Condition: TSC. Review status: no classification provided. Criteria: Tuberous Sclerosis Database Assertion Criteria 2015. Collection method: curation. Allele origin: germline. Affected: yes. Not counted in ClinVar's aggregate classification.

Literature cited by the submitters: PubMed 24728327 (cited by ITMI).

NM_000548.5(TSC2):c.3889G>A (p.Ala1297Thr)

Gene: TSC2 (TSC complex subunit 2; plus strand). Cytogenetic location: 16p13.3.
Variant type: single nucleotide variant.
Coding change: c.3889G>A on transcript NM_000548.5 (MANE Select); coding-DNA position 3889, G replaced by A.
Protein change: p.Ala1297Thr; replaces alanine 1297 with threonine.
Molecular consequence: missense variant.
Genome position (GRCh38, 1-based): chr16:2,083,700, G>A. VCF-style: chr16-2083700-G-A. GRCh37 (hg19) VCF-style: chr16-2133701-G-A.
Other names: p.A1297T:GCC>ACC; c.3688G>A, p.Ala1230Thr (NM_001077183.3); c.3820G>A, p.Ala1274Thr (NM_001114382.3); c.3580G>A, p.Ala1194Thr (NM_001318827.2); c.3544G>A, p.Ala1182Thr (NM_001318829.2); c.3157G>A, p.Ala1053Thr (NM_001318831.2); c.3721G>A, p.Ala1241Thr (NM_001318832.2); c.3691G>A, p.Ala1231Thr (NM_001363528.2); and 2 more; short protein forms A1297T, A1182T, A1194T, A1231T, A1253T, A1230T, A1254T, A1053T.
Identifiers: ClinVar variation 41736 (VCV000041736.81), dbSNP rs45517319, ClinGen allele CA019668.